The following is an entry in ClinVar:

NM_001114753.3(ENG):c.642C>G (p.Gly214=)

Gene: ENG (endoglin; minus strand). Cytogenetic location: 9q34.11.
Variant type: single nucleotide variant.
Coding change: c.642C>G on transcript NM_001114753.3 (MANE Select); coding-DNA position 642, C replaced by G.
Protein change: p.Gly214=; no amino-acid change (glycine 214 retained).
Molecular consequence: synonymous variant.
Genome position (GRCh38, 1-based): chr9:127,825,742, G>C on the plus strand (C>G on the coding strand, the complement: ENG is on the minus strand). VCF-style: chr9-127825742-G-C. GRCh37 (hg19) VCF-style: chr9-130588021-G-C.
Other names: c.642C>G, p.Gly214= (NM_000118.4, NM_001406715.1); c.96C>G, p.Gly32= (NM_001278138.2).
Identifiers: ClinVar variation 3030513 (VCV003030513.2), dbSNP rs2539075938, ClinGen allele CA467231226.
Genomic context (GRCh38, chr9:127,825,742, plus strand): 5'-GCGAGAGCCATACCCGGCCGAGTGGCCCGGCAGGACCCTCAGGATGTGCGCCTCCTTGTG[G>C]CCGGCCACGCCTTCCAAGTGGCAGCCCCGGACCAAGGCTGGAGTACGCGGCCGCCACTCG-3'
Protein context (NP_001108225.1, residues 204-224): VRGCHLEGVA[Gly214=]HKEAHILRVL

ClinVar aggregate classification (germline): Likely benign (0 of 4 stars; one submission).

Conditions:
ENG-related disorder. Also called: ENG-related condition; ENG-related disorders.

Submission:

PreventionGenetics, part of Exact Sciences
Classification: Likely benign for ENG-related condition. Last evaluated: 2021-03-15. Review status: no assertion criteria provided. Collection method: clinical testing. Allele origin: germline.
Comment: This variant is classified as likely benign based on ACMG/AMP sequence variant interpretation guidelines (Richards et al. 2015 PMID: 25741868, with internal and published modifications).